The following is an entry in ClinVar:

NM_012431.3(SEMA3E):c.443del (p.Gly148fs)

Gene: SEMA3E (semaphorin 3E; minus strand). Cytogenetic location: 7q21.11.
Variant type: Deletion.
Coding change: c.443del on transcript NM_012431.3 (MANE Select); coding-DNA position 443, one base deleted (G; older notation c.443delG).
Protein change: p.Gly148fs; shifts the reading frame from glycine 148.
Molecular consequence: frameshift variant.
Genome position (GRCh38, 1-based): chr7:83,466,495, C deleted on the plus strand (G on the coding strand, the reverse complement: SEMA3E is on the minus strand); the first of 2 consecutive C bases (chr7:83,466,495-83,466,496); deleting either gives the same sequence. VCF-style (leftmost placement, unchanged base first): chr7-83466494-TC-T. GRCh37 (hg19) VCF-style: chr7-83095810-TC-T.
Other names: c.263del, p.Gly88fs (NM_001178129.2); short protein forms G88fs, G148fs.
Identifiers: ClinVar variation 4776732 (VCV004776732.1).

ClinVar aggregate classification (germline): Uncertain significance (1 of 4 stars; one submission).

Conditions:
CHARGE syndrome (CHARGE). Also called: Hittner Hirsch Kreh syndrome; CHARGE ASSOCIATION--COLOBOMA, HEART ANOMALY, CHOANAL ATRESIA, RETARDATION, GENITAL AND EAR ANOMALIES; Coloboma, heart anomaly, choanal atresia, retardation, genital and ear anomalies; CHARGE association; Hall-Hittner syndrome. Identifiers: Orphanet 138, MedGen C0265354, MONDO:0008965.

Submission:

Labcorp Genetics (formerly Invitae), Labcorp
Classification: Uncertain significance for CHARGE syndrome. Last evaluated: 2025-08-01. Review status: criteria provided, single submitter. Criteria: Invitae Variant Classification Sherloc (09022015). Collection method: clinical testing. Allele origin: germline.
Comment: This sequence change creates a premature translational stop signal (p.Gly148Aspfs*35) in the SEMA3E gene. It is expected to result in an absent or disrupted protein product. However, the current clinical and genetic evidence is not sufficient to establish whether loss-of-function variants in SEMA3E cause disease. This variant is not present in population databases (gnomAD no frequency). This variant has not been reported in the literature in individuals affected with SEMA3E-related conditions. In summary, the available evidence is currently insufficient to determine the role of this variant in disease. Therefore, it has been classified as a Variant of Uncertain Significance.